The following is an entry in ClinVar:

NM_022454.4(SOX17):c.591G>C (p.Pro197=)

Gene: SOX17 (SRY-box transcription factor 17; plus strand). Cytogenetic location: 8q11.23.
Variant type: single nucleotide variant.
Coding change: c.591G>C on transcript NM_022454.4 (MANE Select); coding-DNA position 591, G replaced by C.
Protein change: p.Pro197=; no amino-acid change (proline 197 retained).
Molecular consequence: synonymous variant.
Genome position (GRCh38, 1-based): chr8:54,459,341, G>C. VCF-style: chr8-54459341-G-C. GRCh37 (hg19) VCF-style: chr8-55371901-G-C.
Other names: c.591G>C (NM_022454.3).
Identifiers: ClinVar variation 2065309 (VCV002065309.6), dbSNP rs753889584, ClinGen allele CA4750940.

ClinVar aggregate classification (germline): Likely benign. Review status: criteria provided, single submitter (1 of 4 stars). 2 submissions from 2 submitters: Likely benign (1). 1 of the submissions does not count toward it. Last evaluated 2024-09-04.

Conditions:
SOX17-related disorder. Also called: SOX17-related condition.

Allele frequency attached by ClinVar (database versions not stated): ExAC 0.00008; gnomAD 0.00009; TOPMed 0.00013.

Submissions (2):

Labcorp Genetics (formerly Invitae), Labcorp
Classification: Likely benign. Last evaluated: 2024-09-04. Review status: criteria provided, single submitter. Criteria: Invitae Variant Classification Sherloc (09022015). Collection method: clinical testing. Allele origin: germline.

PreventionGenetics, part of Exact Sciences
Classification: Likely benign for SOX17-related condition. Last evaluated: 2021-11-02. Review status: no assertion criteria provided. Collection method: clinical testing. Allele origin: germline. Not counted in ClinVar's aggregate classification.
Comment: This variant is classified as likely benign based on ACMG/AMP sequence variant interpretation guidelines (Richards et al. 2015 PMID: 25741868, with internal and published modifications).